The following is an entry in ClinVar:

NM_001943.5(DSG2):c.154A>T (p.Ile52Phe)

Gene: DSG2 (desmoglein 2; plus strand). Cytogenetic location: 18q12.1.
Variant type: single nucleotide variant.
Coding change: c.154A>T on transcript NM_001943.5 (MANE Select); coding-DNA position 154, A replaced by T.
Protein change: p.Ile52Phe; replaces isoleucine 52 with phenylalanine.
Molecular consequence: missense variant.
Genome position (GRCh38, 1-based): chr18:31,519,875, A>T. VCF-style: chr18-31519875-A-T. GRCh37 (hg19) VCF-style: chr18-29099838-A-T.
Other names: short protein forms I52F.
Identifiers: ClinVar variation 2785497 (VCV002785497.3), dbSNP rs2510910342, ClinGen allele CA402130820.

ClinVar aggregate classification (germline): Uncertain significance (1 of 4 stars; one submission).

Conditions:
Arrhythmogenic right ventricular dysplasia 10. Also called: Arrhythmogenic Right Ventricular Dysplasia/Cardiomyopathy10; ARRHYTHMOGENIC RIGHT VENTRICULAR DYSPLASIA, FAMILIAL, 10; Arrhythmogenic right ventricular dysplasia/cardiomyopathy, type 10. Identifiers: MedGen C1857777, MONDO:0012434, OMIM 610193.

Submission:

Labcorp Genetics (formerly Invitae), Labcorp
Classification: Uncertain significance for Arrhythmogenic right ventricular dysplasia 10. Last evaluated: 2024-01-10. Review status: criteria provided, single submitter. Criteria: Invitae Variant Classification Sherloc (09022015). Collection method: clinical testing. Allele origin: germline.
Comment: This sequence change replaces isoleucine, which is neutral and non-polar, with phenylalanine, which is neutral and non-polar, at codon 52 of the DSG2 protein (p.Ile52Phe). This variant is not present in population databases (gnomAD no frequency). This variant has not been reported in the literature in individuals affected with DSG2-related conditions. Advanced modeling of protein sequence and biophysical properties (such as structural, functional, and spatial information, amino acid conservation, physicochemical variation, residue mobility, and thermodynamic stability) performed at Invitae indicates that this missense variant is not expected to disrupt DSG2 protein function with a negative predictive value of 95%. In summary, the available evidence is currently insufficient to determine the role of this variant in disease. Therefore, it has been classified as a Variant of Uncertain Significance.